The following is an entry in ClinVar:

ClinVar aggregate classification (germline): Uncertain significance (1 of 4 stars; one submission).

Conditions:
DNA ligase IV deficiency. Identifiers: Orphanet 99812, MedGen C1847827, MONDO:0011686, OMIM 606593.

Allele frequency attached by ClinVar (database versions not stated): TOPMed below 0.00001; gnomAD 0.00001.
gnomAD v4.1: 3 of 1,613,980 alleles (0.00019%); highest among the groups gnomAD compares: Middle Eastern, 0.016%; no homozygotes.

Submission:

Labcorp Genetics (formerly Invitae), Labcorp
Classification: Uncertain significance for DNA ligase IV deficiency. Last evaluated: 2023-07-07. Review status: criteria provided, single submitter. Criteria: Invitae Variant Classification Sherloc (09022015). Collection method: clinical testing. Allele origin: germline.
Comment: This variant is present in population databases (no rsID available, gnomAD 0.007%). This sequence change replaces asparagine, which is neutral and polar, with histidine, which is basic and polar, at codon 648 of the LIG4 protein (p.Asn648His). This variant has not been reported in the literature in individuals affected with LIG4-related conditions. ClinVar contains an entry for this variant (Variation ID: 1500019). Advanced modeling of protein sequence and biophysical properties (such as structural, functional, and spatial information, amino acid conservation, physicochemical variation, residue mobility, and thermodynamic stability) has been performed at Invitae for this missense variant, however the output from this modeling did not meet the statistical confidence thresholds required to predict the impact of this variant on LIG4 protein function. In summary, the available evidence is currently insufficient to determine the role of this variant in disease. Therefore, it has been classified as a Variant of Uncertain Significance.

NM_206937.2(LIG4):c.1942A>C (p.Asn648His)

Gene: LIG4 (DNA ligase 4; minus strand). Cytogenetic location: 13q33.3.
Variant type: single nucleotide variant.
Coding change: c.1942A>C on transcript NM_206937.2 (MANE Select); coding-DNA position 1942, A replaced by C.
Protein change: p.Asn648His; replaces asparagine 648 with histidine.
Molecular consequence: missense variant.
Genome position (GRCh38, 1-based): chr13:108,209,327, T>G on the plus strand (A>C on the coding strand, the complement: LIG4 is on the minus strand). VCF-style: chr13-108209327-T-G. GRCh37 (hg19) VCF-style: chr13-108861675-T-G.
Other names: c.1942A>C, p.Asn648His (NM_001098268.2, NM_001352598.2, NM_001352599.2 and 6 more transcripts); c.1741A>C, p.Asn581His (NM_001330595.2); c.1978A>C, p.Asn660His (NM_001352604.2); short protein forms N581H, N648H, N660H.
Identifiers: ClinVar variation 1500019 (VCV001500019.6), dbSNP rs1271457786, ClinGen allele CA388615192.